The following is an entry in ClinVar:

ClinVar aggregate classification (germline): Conflicting classifications of pathogenicity. Review status: criteria provided, conflicting classifications (1 of 4 stars). 2 submissions from 2 submitters: Uncertain significance (1); Likely benign (1). Last evaluated 2026-01-08.

Conditions:
Hereditary cancer-predisposing syndrome. Also called: Tumor predisposition; Neoplastic Syndromes, Hereditary; Hereditary Cancer Syndrome; Hereditary neoplastic syndrome. Identifiers: Orphanet 140162, MedGen C0027672, MeSH D009386, MONDO:0015356.

gnomAD v4.1: 1 of 1,581,742 alleles (0.000063%); highest among the groups gnomAD compares: Admixed American, 0.0017%; no homozygotes.

Submissions (2):

Ambry Genetics
Classification: Uncertain significance for Hereditary cancer-predisposing syndrome. Last evaluated: 2026-01-08. Review status: criteria provided, single submitter. Criteria: Ambry Variant Classification Scheme 2023. Collection method: clinical testing. Allele origin: germline.
Comment: The c.4953-5T>C intronic variant results from a T to C substitution 5 nucleotides upstream from coding exon 38 in the POLE gene. This nucleotide position is not well conserved in available vertebrate species. In silico splice site analysis predicts that this alteration will not have any significant effect on splicing. Based on the available evidence, the clinical significance of this variant remains unclear.

Labcorp Genetics (formerly Invitae), Labcorp
Classification: Likely benign. Last evaluated: 2025-02-26. Review status: criteria provided, single submitter. Criteria: Invitae Variant Classification Sherloc (09022015). Collection method: clinical testing. Allele origin: germline.

NM_006231.4(POLE):c.4953-5T>C

Gene: POLE (DNA polymerase epsilon, catalytic subunit; minus strand). Cytogenetic location: 12q24.33.
Variant type: single nucleotide variant.
Coding change: c.4953-5T>C on transcript NM_006231.4 (MANE Select); 5 bases into the intron before coding-DNA position 4953, T replaced by C.
Molecular consequence: intron variant.
Genome position (GRCh38, 1-based): chr12:132,642,402, A>G on the plus strand (T>C on the coding strand, the complement: POLE is on the minus strand). VCF-style: chr12-132642402-A-G. GRCh37 (hg19) VCF-style: chr12-133218988-A-G.
Identifiers: ClinVar variation 755666 (VCV000755666.12), dbSNP rs757060708, ClinGen allele CA608513877.